The following is an entry in ClinVar:

ClinVar aggregate classification (germline): Uncertain significance. Review status: criteria provided, multiple submitters, no conflicts (2 of 4 stars). 2 submissions from 2 submitters: Uncertain significance (2). Last evaluated 2023-12-29.

Conditions:
Hereditary cancer-predisposing syndrome. Also called: Tumor predisposition; Hereditary Cancer Syndrome; Hereditary neoplastic syndrome; Neoplastic Syndromes, Hereditary. Identifiers: Orphanet 140162, MedGen C0027672, MeSH D009386, MONDO:0015356.
Hereditary pheochromocytoma and paraganglioma. Also called: Hereditary paragangliomas and pheochromocytomas; Hereditary Paraganglioma-Pheochromocytoma Syndromes; Hereditary pheochromocytoma-paraganglioma. Identifiers: Orphanet 29072, MedGen C4274332, MONDO:0017366.

Submissions (2):

Labcorp Genetics (formerly Invitae), Labcorp
Classification: Uncertain significance for Hereditary pheochromocytoma and paraganglioma. Last evaluated: 2023-12-29. Review status: criteria provided, single submitter. Criteria: Invitae Variant Classification Sherloc (09022015). Collection method: clinical testing. Allele origin: germline.
Comment: This sequence change replaces arginine, which is basic and polar, with glutamine, which is neutral and polar, at codon 75 of the MAX protein (p.Arg75Gln). This variant is not present in population databases (gnomAD no frequency). This variant has not been reported in the literature in individuals affected with MAX-related conditions. ClinVar contains an entry for this variant (Variation ID: 1788403). An algorithm developed to predict the effect of missense changes on protein structure and function (PolyPhen-2) suggests that this variant is likely to be tolerated. In summary, the available evidence is currently insufficient to determine the role of this variant in disease. Therefore, it has been classified as a Variant of Uncertain Significance.

Ambry Genetics
Classification: Uncertain significance for Hereditary cancer-predisposing syndrome. Last evaluated: 2020-11-10. Review status: criteria provided, single submitter. Criteria: Ambry Variant Classification Scheme 2023. Collection method: clinical testing. Allele origin: germline.
Comment: The p.R75Q variant (also known as c.224G>A), located in coding exon 4 of the MAX gene, results from a G to A substitution at nucleotide position 224. The arginine at codon 75 is replaced by glutamine, an amino acid with highly similar properties. This amino acid position is highly conserved in available vertebrate species. In addition, this alteration is predicted to be deleterious by in silico analysis. Since supporting evidence is limited at this time, the clinical significance of this alteration remains unclear.

NM_002382.5(MAX):c.224G>A (p.Arg75Gln)

Gene: MAX (MYC associated transcriptional regulator X; minus strand). Cytogenetic location: 14q23.3.
Variant type: single nucleotide variant.
Coding change: c.224G>A on transcript NM_002382.5 (MANE Select); coding-DNA position 224, G replaced by A.
Protein change: p.Arg75Gln; replaces arginine 75 with glutamine.
Molecular consequence: missense variant. On other transcripts: 5 prime UTR variant (1), intron variant (2).
Genome position (GRCh38, 1-based): chr14:65,077,984, C>T on the plus strand (G>A on the coding strand, the complement: MAX is on the minus strand). VCF-style: chr14-65077984-C-T. GRCh37 (hg19) VCF-style: chr14-65544702-C-T.
Other names: c.-51G>A (NM_001320415.2, NM_001407105.1, NM_001407106.1 and 1 more transcripts); c.224G>A, p.Arg75Gln (NM_001407094.1, NM_001407096.1, NM_001407097.1 and 3 more transcripts); c.197G>A, p.Arg66Gln (NM_001407095.1, NM_001407099.1, NM_001407100.1 and 6 more transcripts); c.116G>A, p.Arg39Gln (NM_001407098.1); c.-144G>A (NM_001407111.1, NM_001407112.1); c.144+15724G>A (NM_001271069.2); c.171+15724G>A (NM_197957.4); short protein forms R75Q, R39Q, R66Q.
Identifiers: ClinVar variation 1788403 (VCV001788403.5), dbSNP rs2139754513, ClinGen allele CA390035739.
Genomic context (GRCh38, chr14:65,077,984, plus strand): 5'-AGAAGAGCATTCTGCCGCTTGAGGTCGTCAATATCTTGCTGGTGTGTGTGGTTTTTCCTT[C>T]GCATATACTGGATATATTCTGTGGCTTTGTCTAGGATTTGGGCCCGGGATGCCTGTGGCA-3'
Protein context (NP_002373.3, residues 65-85): DKATEYIQYM[Arg75Gln]RKNHTHQQDI